The following is an entry in ClinVar:

NM_006231.4(POLE):c.713T>C (p.Ile238Thr)

Gene: POLE (DNA polymerase epsilon, catalytic subunit; minus strand). Cytogenetic location: 12q24.33.
Variant type: single nucleotide variant.
Coding change: c.713T>C on transcript NM_006231.4 (MANE Select); coding-DNA position 713, T replaced by C.
Protein change: p.Ile238Thr; replaces isoleucine 238 with threonine.
Molecular consequence: missense variant.
Genome position (GRCh38, 1-based): chr12:132,677,585, A>G on the plus strand (T>C on the coding strand, the complement: POLE is on the minus strand). VCF-style: chr12-132677585-A-G. GRCh37 (hg19) VCF-style: chr12-133254171-A-G.
Other names: short protein forms I238T.
Identifiers: ClinVar variation 1495838 (VCV001495838.8), dbSNP rs2136020024, ClinGen allele CA387364599.

ClinVar aggregate classification (germline): Uncertain significance (1 of 4 stars; one submission).

Submission:

Labcorp Genetics (formerly Invitae), Labcorp
Classification: Uncertain significance. Last evaluated: 2021-05-15. Review status: criteria provided, single submitter. Criteria: Invitae Variant Classification Sherloc (09022015). Collection method: clinical testing. Allele origin: germline.
Comment: In summary, the available evidence is currently insufficient to determine the role of this variant in disease. Therefore, it has been classified as a Variant of Uncertain Significance. Algorithms developed to predict the effect of missense changes on protein structure and function (SIFT, PolyPhen-2, Align-GVGD) all suggest that this variant is likely to be disruptive, but these predictions have not been confirmed by published functional studies and their clinical significance is uncertain. This variant has not been reported in the literature in individuals with POLE-related conditions. This variant is not present in population databases (ExAC no frequency). This sequence change replaces isoleucine with threonine at codon 238 of the POLE protein (p.Ile238Thr). The isoleucine residue is highly conserved and there is a moderate physicochemical difference between isoleucine and threonine.